The following is an entry in ClinVar:

ClinVar aggregate classification (germline): Likely pathogenic. Review status: criteria provided, multiple submitters, no conflicts (2 of 4 stars). 4 submissions from 4 submitters: Likely pathogenic (4). Last evaluated 2024-02-23.

Conditions:
6-Pyruvoyl-tetrahydrobiopterin synthase deficiency. Also called: HYPERPHENYLALANINEMIA, TETRAHYDROBIOPTERIN-DEFICIENT, DUE TO PTS DEFICIENCY; Hyperphenylalanemia, BH4-deficient, A; Hyperphenylalaninemia due to 6-pyruvoyl-tetrahydropterin synthase deficiency; 6-Pyruvoyltetrahydropterin Synthase Deficiency; BH4-deficient hyperphenylalaninemia A; PTS-Related Tetrahydrobiopterin Deficiency. Identifiers: Orphanet 13, Orphanet 238583, MedGen C0878676, MONDO:0009863, OMIM 261640.

Submissions (4):

Labcorp Genetics (formerly Invitae), Labcorp
Classification: Likely pathogenic for 6-Pyruvoyl-tetrahydrobiopterin synthase deficiency. Last evaluated: 2024-02-23. Review status: criteria provided, single submitter. Criteria: Invitae Variant Classification Sherloc (09022015). Collection method: clinical testing. Allele origin: germline.
Comment: This sequence change replaces aspartic acid, which is acidic and polar, with glycine, which is neutral and non-polar, at codon 94 of the PTS protein (p.Asp94Gly). This variant is not present in population databases (gnomAD no frequency). This missense change has been observed in individuals with 6-pyruvoyl-tetrahydropterin synthase (PTPS) deficiency (PMID: 32905092; Invitae). ClinVar contains an entry for this variant (Variation ID: 372485). An algorithm developed to predict the effect of missense changes on protein structure and function (PolyPhen-2) suggests that this variant is likely to be disruptive. Algorithms developed to predict the effect of sequence changes on RNA splicing suggest that this variant may disrupt the consensus splice site. This variant disrupts the p.Asp94 amino acid residue in PTS. Other variant(s) that disrupt this residue have been determined to be pathogenic (PMID: 27246466). This suggests that this residue is clinically significant, and that variants that disrupt this residue are likely to be disease-causing. In summary, the currently available evidence indicates that the variant is pathogenic, but additional data are needed to prove that conclusively. Therefore, this variant has been classified as Likely Pathogenic.

Baylor Genetics
Classification: Likely pathogenic for 6-Pyruvoyl-tetrahydrobiopterin synthase deficiency. Last evaluated: 2022-12-29. Review status: criteria provided, single submitter. Criteria: ACMG Guidelines, 2015. Collection method: clinical testing. Allele origin: unknown.

Genome-Nilou Lab
Classification: Likely pathogenic for 6-Pyruvoyl-tetrahydrobiopterin synthase deficiency. Last evaluated: 2021-09-05. Review status: criteria provided, single submitter. Criteria: ACMG Guidelines, 2015. Collection method: clinical testing. Allele origin: germline. Affected: no.

GeneDx
Classification: Likely pathogenic. Last evaluated: 2016-04-07. Review status: criteria provided, single submitter. Criteria: GeneDx Variant Classification (06012015). Collection method: clinical testing. Allele origin: germline. Affected: yes.
Comment: The D94G missense change has not beenpublished as a pathogenic variant, nor has it been reported as a benign polymorphism to ourknowledge. The D94G variant is a non-conservative amino acid substitution, which is likely toimpact secondary protein structure as these residues differ in polarity, charge, size and/or otherproperties. This substitution occurs at a position that is highly conserved across species. In silicoanalysis predicts this variant is probably damaging to the protein structure/function. Missensevariants in nearby residues (P87S/L, K91E/R, N92K, L93M, D96N, V97M, P98L/Q, Y99C) havebeen reported in the Human Gene Mutation Database in association with6-pyruvoyltetrahydropterin synthase (PTPS) deficiency (Stenson et al., 2014), supporting thefunctional importance of this region of the protein. Therefore, this variant is likely pathogenic;however, the possibility that it is benign cannot be excluded.

Literature cited by the submitters: PubMed 32905092 (cited by Labcorp Genetics (formerly Invitae), Labcorp); PubMed 27246466 (cited by Labcorp Genetics (formerly Invitae), Labcorp).

NM_000317.3(PTS):c.281A>G (p.Asp94Gly)

Gene: PTS (6-pyruvoyltetrahydropterin synthase; plus strand). Cytogenetic location: 11q23.1.
Variant type: single nucleotide variant.
Coding change: c.281A>G on transcript NM_000317.3 (MANE Select); coding-DNA position 281, A replaced by G.
Protein change: p.Asp94Gly; replaces aspartic acid 94 with glycine.
Molecular consequence: missense variant.
Genome position (GRCh38, 1-based): chr11:112,233,200, A>G. VCF-style: chr11-112233200-A-G. GRCh37 (hg19) VCF-style: chr11-112103923-A-G.
Other names: short protein forms D94G.
Identifiers: ClinVar variation 372485 (VCV000372485.13), dbSNP rs1057517811, ClinGen allele CA16042731.